The following is an entry in ClinVar:

ClinVar aggregate classification (germline): Uncertain significance (1 of 4 stars; one submission).

Conditions:
Wilson disease (WND). Also called: Wilson's disease. Identifiers: Orphanet 905, MedGen C0019202, MONDO:0010200, OMIM 277900. Disease mechanism: loss of function.

Submission:

All of Us Research Program, National Institutes of Health
Classification: Uncertain significance for Wilson disease. Last evaluated: 2023-07-10. Review status: criteria provided, single submitter. Criteria: ACMG Guidelines, 2015. Collection method: clinical testing. Allele origin: germline. Inheritance: Autosomal recessive inheritance. Observed: 1 variant allele, 1 heterozygote.
Comment: This missense variant replaces arginine with glycine at codon 1415 of the ATP7B protein. Computational prediction suggests that this variant may not impact protein structure and function (internally defined REVEL score threshold <= 0.5, PMID: 27666373). To our knowledge, functional studies have not been reported for this variant. This variant has not been reported in individuals affected with ATP7B-related disorders in the literature. This variant has not been identified in the general population by the Genome Aggregation Database (gnomAD). The available evidence is insufficient to determine the role of this variant in disease conclusively. Therefore, this variant is classified as a Variant of Uncertain Significance.

This study involves interpretation of variants in research participants for the purpose of population health screening. Participant phenotype was not available at the time of variant classification. Additional details can be found in publication PMID: 35346344, PMCID: PMC8962531

NM_000053.4(ATP7B):c.4243A>G (p.Arg1415Gly)

Gene: ATP7B (ATPase copper transporting beta; minus strand). Cytogenetic location: 13q14.3.
Variant type: single nucleotide variant.
Coding change: c.4243A>G on transcript NM_000053.4 (MANE Select); coding-DNA position 4243, A replaced by G.
Protein change: p.Arg1415Gly; replaces arginine 1415 with glycine.
Molecular consequence: missense variant.
Genome position (GRCh38, 1-based): chr13:51,934,911, T>C on the plus strand (A>G on the coding strand, the complement: ATP7B is on the minus strand). VCF-style: chr13-51934911-T-C. GRCh37 (hg19) VCF-style: chr13-52509047-T-C.
Other names: c.3622A>G, p.Arg1208Gly (NM_001005918.3); c.3910A>G, p.Arg1304Gly (NM_001243182.2); c.4009A>G, p.Arg1337Gly (NM_001330578.2, NM_001406527.1, NM_001406528.1); c.3991A>G, p.Arg1331Gly (NM_001330579.2, NM_001406531.1, NM_001406532.1); c.4243A>G, p.Arg1415Gly (NM_001406511.1, NM_001406512.1); c.4237A>G, p.Arg1413Gly (NM_001406513.1); c.4210A>G, p.Arg1404Gly (NM_001406514.1); c.4189A>G, p.Arg1397Gly (NM_001406515.1, NM_001406516.1); and 21 more; short protein forms R1134G, R1188G, R1199G, R1208G, R1221G, R1251G, R1253G, R1266G.
Identifiers: ClinVar variation 3072347 (VCV003072347.1), dbSNP rs746525895, ClinGen allele CA388019423.